The following is an entry in ClinVar:

NM_014956.5(CEP164):c.171A>G (p.Pro57=)

Gene: CEP164 (centrosomal protein 164; plus strand). Cytogenetic location: 11q23.3.
Variant type: single nucleotide variant.
Coding change: c.171A>G on transcript NM_014956.5 (MANE Select); coding-DNA position 171, A replaced by G.
Protein change: p.Pro57=; no amino-acid change (proline 57 retained).
Molecular consequence: synonymous variant.
Genome position (GRCh38, 1-based): chr11:117,344,254, A>G. VCF-style: chr11-117344254-A-G. GRCh37 (hg19) VCF-style: chr11-117214970-A-G.
Other names: c.171A>G (NM_014956.4); c.171A>G, p.Pro57= (NM_001271933.2).
Identifiers: ClinVar variation 1104902 (VCV001104902.10), dbSNP rs2038560708, ClinGen allele CA476894455.

ClinVar aggregate classification (germline): Likely benign. Review status: criteria provided, multiple submitters, no conflicts (2 of 4 stars). 2 submissions from 2 submitters: Likely benign (2). Last evaluated 2025-09-04.

Conditions:
Nephronophthisis 15 (NPHP15). Identifiers: Orphanet 3156, MedGen C3541853, MONDO:0013917, OMIM 614845.
CEP164-related disorder. Also called: CEP164-related condition.

Allele frequency attached by ClinVar (database versions not stated): gnomAD 0.00001; TOPMed 0.00001.
gnomAD v4.1: 2 of 1,612,886 alleles (0.00012%); highest among the groups gnomAD compares: African/African-American, 0.0013%; no homozygotes.

Submissions (2):

PreventionGenetics, part of Exact Sciences
Classification: Likely benign for CEP164-related condition. Last evaluated: 2025-09-04. Review status: criteria provided, single submitter. Criteria: ACMG Guidelines, 2015. Collection method: clinical testing. Allele origin: germline.
Comment: This variant is classified as likely benign based on ACMG/AMP sequence variant interpretation guidelines (Richards et al. 2015 PMID: 25741868, with internal and published modifications).

Labcorp Genetics (formerly Invitae), Labcorp
Classification: Likely benign for Nephronophthisis 15. Last evaluated: 2020-10-20. Review status: criteria provided, single submitter. Criteria: Invitae Variant Classification Sherloc (09022015). Collection method: clinical testing. Allele origin: germline.